The following is an entry in ClinVar:

NM_001082486.2(ACD):c.640del (p.Ala214fs)

Gene: ACD (ACD shelterin complex subunit and telomerase recruitment factor; minus strand). Cytogenetic location: 16q22.1.
Variant type: Deletion.
Coding change: c.640del on transcript NM_001082486.2 (MANE Select); coding-DNA position 640, one base deleted (G; older notation c.640delG).
Protein change: p.Ala214fs; shifts the reading frame from alanine 214.
Molecular consequence: frameshift variant.
Genome position (GRCh38, 1-based): chr16:67,658,933, C deleted on the plus strand (G on the coding strand, the reverse complement: ACD is on the minus strand); the first of 2 consecutive C bases (chr16:67,658,933-67,658,934); deleting either gives the same sequence. VCF-style (leftmost placement, unchanged base first): chr16-67658932-GC-G. GRCh37 (hg19) VCF-style: chr16-67692835-GC-G.
Other names: c.640del, p.Ala214fs (NM_001410884.1); c.631del, p.Ala211fs (NM_022914.3); short protein forms A211fs, A214fs.
Identifiers: ClinVar variation 3026170 (VCV003026170.22), dbSNP rs2543603211, ClinGen allele CA2740093403.

ClinVar aggregate classification (germline): Uncertain significance (1 of 4 stars; one submission).

Submission:

CeGaT Center for Human Genetics Tuebingen
Classification: Uncertain significance. Last evaluated: 2024-02-01. Review status: criteria provided, single submitter. Criteria: CeGaT Center For Human Genetics Tuebingen Variant Classification Criteria Version 2. Collection method: clinical testing. Allele origin: germline. Affected: yes. Observed: 1 variant allele.
Comment: ACD: PM2